The following is an entry in ClinVar:

ClinVar aggregate classification (germline): Uncertain significance (1 of 4 stars; one submission).

Conditions:
GRN-related frontotemporal lobar degeneration with Tdp43 inclusions (FTD2). Also called: DEMENTIA, HEREDITARY DYSPHASIC DISINHIBITION; FRONTOTEMPORAL LOBAR DEGENERATION WITH UBIQUITIN-POSITIVE INCLUSIONS; FTLD-TDP, GRN-RELATED; GRN Frontotemporal Dementia; FRONTOTEMPORAL DEMENTIA WITH TDP43 INCLUSIONS, GRN-RELATED. Identifiers: Orphanet 100070, Orphanet 282, MedGen C1843792, MONDO:0011842, OMIM 607485. Disease mechanism: loss of function.
Neuronal ceroid lipofuscinosis 11. Also called: GRN-Related Neuronal Ceroid-Lipofuscinosis. Identifiers: Orphanet 314629, Orphanet 79262, MedGen C3539123, MONDO:0013866, OMIM 614706.

Allele frequency attached by ClinVar (database versions not stated): TOPMed below 0.00001; gnomAD 0.00001.
gnomAD v4.1: 2 of 1,613,870 alleles (0.00012%); highest among the groups gnomAD compares: Non-Finnish European, 0.00017%; no homozygotes.

Submission:

Labcorp Genetics (formerly Invitae), Labcorp
Classification: Uncertain significance for Neuronal ceroid lipofuscinosis 11; GRN-related frontotemporal lobar degeneration with Tdp43 inclusions. Last evaluated: 2021-05-30. Review status: criteria provided, single submitter. Criteria: Invitae Variant Classification Sherloc (09022015). Collection method: clinical testing. Allele origin: germline.
Comment: Algorithms developed to predict the effect of missense changes on protein structure and function output the following: SIFT: "Tolerated"; PolyPhen-2: "Benign"; Align-GVGD: "Class C0". The phenylalanine amino acid residue is found in multiple mammalian species, suggesting that this missense change does not adversely affect protein function. These predictions have not been confirmed by published functional studies and their clinical significance is uncertain. In summary, the available evidence is currently insufficient to determine the role of this variant in disease. Therefore, it has been classified as a Variant of Uncertain Significance. This variant has not been reported in the literature in individuals with GRN-related conditions. This sequence change replaces leucine with phenylalanine at codon 360 of the GRN protein (p.Leu360Phe). The leucine residue is moderately conserved and there is a small physicochemical difference between leucine and phenylalanine. This variant is not present in population databases (ExAC no frequency).

NM_002087.4(GRN):c.1080G>C (p.Leu360Phe)

Gene: GRN (granulin precursor; plus strand). Cytogenetic location: 17q21.31.
Variant type: single nucleotide variant.
Coding change: c.1080G>C on transcript NM_002087.4 (MANE Select); coding-DNA position 1080, G replaced by C.
Protein change: p.Leu360Phe; replaces leucine 360 with phenylalanine.
Molecular consequence: missense variant.
Genome position (GRCh38, 1-based): chr17:44,351,696, G>C. VCF-style: chr17-44351696-G-C. GRCh37 (hg19) VCF-style: chr17-42429064-G-C.
Other names: short protein forms L360F.
Identifiers: ClinVar variation 1504720 (VCV001504720.8), dbSNP rs1480952239, ClinGen allele CA399765765.